The following is an entry in ClinVar:

ClinVar aggregate classification (germline): Uncertain significance (1 of 4 stars; one submission).

Allele frequency attached by ClinVar (database versions not stated): TOPMed below 0.00001; ExAC 0.00001; gnomAD exomes 0.00001.
gnomAD v4.1: 9 of 1,614,080 alleles (0.00056%); highest among the groups gnomAD compares: Admixed American, 0.0033%; no homozygotes.

Submission:

Labcorp Genetics (formerly Invitae), Labcorp
Classification: Uncertain significance. Last evaluated: 2022-08-16. Review status: criteria provided, single submitter. Criteria: Invitae Variant Classification Sherloc (09022015). Collection method: clinical testing. Allele origin: germline.
Comment: ClinVar contains an entry for this variant (Variation ID: 1507172). Algorithms developed to predict the effect of missense changes on protein structure and function (SIFT, PolyPhen-2, Align-GVGD) all suggest that this variant is likely to be tolerated. In summary, the available evidence is currently insufficient to determine the role of this variant in disease. Therefore, it has been classified as a Variant of Uncertain Significance. This variant has not been reported in the literature in individuals affected with ROR1-related conditions. This sequence change replaces alanine, which is neutral and non-polar, with valine, which is neutral and non-polar, at codon 294 of the ROR1 protein (p.Ala294Val). The frequency data for this variant in the population databases is considered unreliable, as metrics indicate poor data quality at this position in the gnomAD database.

NM_005012.4(ROR1):c.881C>T (p.Ala294Val)

Gene: ROR1 (receptor tyrosine kinase like orphan receptor 1; plus strand). Cytogenetic location: 1p31.3.
Variant type: single nucleotide variant.
Coding change: c.881C>T on transcript NM_005012.4 (MANE Select); coding-DNA position 881, C replaced by T.
Protein change: p.Ala294Val; replaces alanine 294 with valine.
Molecular consequence: missense variant.
Genome position (GRCh38, 1-based): chr1:64,140,379, C>T. VCF-style: chr1-64140379-C-T. GRCh37 (hg19) VCF-style: chr1-64606062-C-T.
Other names: c.881C>T, p.Ala294Val (NM_001083592.2); short protein forms A294V.
Identifiers: ClinVar variation 1507172 (VCV001507172.8), dbSNP rs765400955, ClinGen allele CA890166.